The following is an entry in ClinVar:

NM_001163809.2(WDR81):c.2633C>T (p.Pro878Leu)

Gene: WDR81 (WD repeat domain 81; plus strand). Cytogenetic location: 17p13.3.
Variant type: single nucleotide variant.
Coding change: c.2633C>T on transcript NM_001163809.2 (MANE Select); coding-DNA position 2633, C replaced by T.
Protein change: p.Pro878Leu; replaces proline 878 with leucine.
Molecular consequence: missense variant. On other transcripts: intron variant (3).
Genome position (GRCh38, 1-based): chr17:1,727,592, C>T. VCF-style: chr17-1727592-C-T. GRCh37 (hg19) VCF-style: chr17-1630886-C-T.
Other names: p.Pro878Leu; c.-123-398C>T (NM_152348.4); c.59-2788C>T (NM_001163673.2); c.-14-2788C>T (NM_001163811.2); short protein forms P878L.
Identifiers: ClinVar variation 2260609 (VCV002260609.6), dbSNP rs753526124, ClinGen allele CA8273128.
Genomic context (GRCh38, chr17:1,727,592, plus strand): 5'-CCTGCCCAAGCCAGCTTCTCAGCCCCTTCAGCTCCGTGGTTCCCTTCCCACCCTACTTCC[C>T]GGCACTGCACAGATTCATCCTCCTGTACCAGGCAAGGCGTGTGGAGGACGAGGCCCAGGG-3'
Protein context (NP_001157281.1, residues 868-888): SSVVPFPPYF[Pro878Leu]ALHRFILLYQ

ClinVar aggregate classification (germline): Uncertain significance. Review status: criteria provided, multiple submitters, no conflicts (2 of 4 stars). 4 submissions from 4 submitters: Uncertain significance (4). Last evaluated 2025-03-24.

Conditions:
Inborn genetic diseases. Identifiers: MedGen C0950123, MeSH D030342.

Allele frequency attached by ClinVar (database versions not stated): ExAC 0.00005; TOPMed 0.00018; gnomAD 0.00019.
gnomAD v4.1: 137 of 1,550,436 alleles (0.0088%); highest among the groups gnomAD compares: African/African-American, 0.094%; no homozygotes.

Submissions (4):

GeneDx
Classification: Uncertain significance. Last evaluated: 2025-03-24. Review status: criteria provided, single submitter. Criteria: GeneDx Variant Classification Process June 2021. Collection method: clinical testing. Allele origin: germline.
Comment: Observed as an apparently de novo variant in individual with autism; however no further clinical information was provided (PMID: 35982160); In silico analysis supports that this missense variant has a deleterious effect on protein structure/function; This variant is associated with the following publications: (PMID: 35982159, 35982160)

Mayo Clinic Laboratories, Mayo Clinic
Classification: Uncertain significance. Last evaluated: 2024-06-06. Review status: criteria provided, single submitter. Criteria: ACMG Guidelines, 2015. Collection method: clinical testing. Allele origin: germline. Observed: 1 variant allele.
Comment: PM2

Blueprint Genetics
Classification: Uncertain significance. Last evaluated: 2023-11-13. Review status: criteria provided, single submitter. Criteria: ACMG Guidelines, 2015. Collection method: clinical testing. Allele origin: germline.

Ambry Genetics
Classification: Uncertain significance for Inborn genetic diseases. Last evaluated: 2022-04-27. Review status: criteria provided, single submitter. Criteria: Ambry Variant Classification Scheme 2023. Collection method: clinical testing. Allele origin: germline.